The following is an entry in ClinVar:

ClinVar aggregate classification (germline): Uncertain significance (1 of 4 stars; one submission).

Conditions:
Hypertrophic cardiomyopathy 26. Also called: Cardiomyopathy, familial hypertrophic, 26. Identifiers: Orphanet 75249, MedGen C4310749, MONDO:0014883, OMIM 617047.
Distal myopathy with posterior leg and anterior hand involvement. Also called: WILLIAMS DISTAL MYOPATHY. Identifiers: Orphanet 63273, MedGen C3279722, MONDO:0013550, OMIM 614065.
Myofibrillar myopathy 5. Also called: Filaminopathy (type); FILAMINOPATHY, AUTOSOMAL DOMINANT. Identifiers: Orphanet 171445, MedGen C1836050, MONDO:0012289, OMIM 609524.

Submission:

Labcorp Genetics (formerly Invitae), Labcorp
Classification: Uncertain significance for Distal myopathy with posterior leg and anterior hand involvement; Myofibrillar myopathy 5; Hypertrophic cardiomyopathy 26. Last evaluated: 2020-07-25. Review status: criteria provided, single submitter. Criteria: Invitae Variant Classification Sherloc (09022015). Collection method: clinical testing. Allele origin: germline.
Comment: Algorithms developed to predict the effect of missense changes on protein structure and function are either unavailable or do not agree on the potential impact of this missense change (SIFT: "Deleterious"; PolyPhen-2: "Probably Damaging"; Align-GVGD: "Class C0"). In summary, the available evidence is currently insufficient to determine the role of this variant in disease. Therefore, it has been classified as a Variant of Uncertain Significance. This variant has not been reported in the literature in individuals with FLNC-related conditions. This variant is not present in population databases (ExAC no frequency). This sequence change replaces phenylalanine with leucine at codon 1942 of the FLNC protein (p.Phe1942Leu). The phenylalanine residue is highly conserved and there is a small physicochemical difference between phenylalanine and leucine.

NM_001458.5(FLNC):c.5826C>G (p.Phe1942Leu)

Genes: FLNC-AS1 (FLNC antisense RNA 1; minus strand), FLNC (filamin C; plus strand). Cytogenetic location: 7q32.1.
Variant type: single nucleotide variant.
Coding change: c.5826C>G on transcript NM_001458.5 (MANE Select); coding-DNA position 5826, C replaced by G.
Protein change: p.Phe1942Leu; replaces phenylalanine 1942 with leucine.
Molecular consequence: missense variant.
Genome position (GRCh38, 1-based): chr7:128,851,612, C>G. VCF-style: chr7-128851612-C-G. GRCh37 (hg19) VCF-style: chr7-128491666-C-G.
Other names: c.5727C>G, p.Phe1909Leu (NM_001127487.2); short protein forms F1909L, F1942L.
Identifiers: ClinVar variation 1056166 (VCV001056166.9), dbSNP rs567779611, ClinGen allele CA369208621.